The following is an entry in ClinVar:

ClinVar aggregate classification (germline): Uncertain significance (1 of 4 stars; one submission).

Submission:

CeGaT Center for Human Genetics Tuebingen
Classification: Uncertain significance. Last evaluated: 2024-01-01. Review status: criteria provided, single submitter. Criteria: CeGaT Center For Human Genetics Tuebingen Variant Classification Criteria Version 2. Collection method: clinical testing. Allele origin: germline. Affected: yes. Observed: 1 variant allele.
Comment: IL11RA: PM2, BP4

NM_001142784.3(IL11RA):c.447-6C>T

Gene: IL11RA (interleukin 11 receptor subunit alpha; plus strand). Cytogenetic location: 9p13.3.
Variant type: single nucleotide variant.
Coding change: c.447-6C>T on transcript NM_001142784.3 (MANE Select); 6 bases into the intron before coding-DNA position 447, C replaced by T.
Molecular consequence: intron variant.
Genome position (GRCh38, 1-based): chr9:34,657,297, C>T. VCF-style: chr9-34657297-C-T. GRCh37 (hg19) VCF-style: chr9-34657294-C-T.
Identifiers: ClinVar variation 3027115 (VCV003027115.22), dbSNP rs2492902012, ClinGen allele CA2740095450.